The following is an entry in ClinVar:

ClinVar aggregate classification (germline): Uncertain significance. Review status: criteria provided, multiple submitters, no conflicts (2 of 4 stars). 2 submissions from 2 submitters: Uncertain significance (2). Last evaluated 2025-01-21.

Conditions:
Inborn genetic diseases. Identifiers: MedGen C0950123, MeSH D030342.
Orthostatic hypotension 1 (ORTHYP1). Also called: NORADRENALINE DEFICIENCY; NOREPINEPHRINE DEFICIENCY; Orthostatic hypotension 1, due to DBH deficiency; Dopamine beta-hydroxylase deficiency. Identifiers: Orphanet 230, MedGen C4746777, MONDO:0009123, OMIM 223360.

Allele frequency attached by ClinVar (database versions not stated): gnomAD exomes 0.00002; ExAC 0.00003; gnomAD 0.00004; TOPMed 0.00005; 1000 Genomes Project 30x 0.00016; 1000 Genomes Project 0.00020.
gnomAD v4.1: 60 of 1,614,042 alleles (0.0037%); highest among the groups gnomAD compares: Admixed American, 0.01%; no homozygotes.

Submissions (2):

Ambry Genetics
Classification: Uncertain significance for Inborn genetic diseases. Last evaluated: 2025-01-21. Review status: criteria provided, single submitter. Criteria: Ambry Variant Classification Scheme 2023. Collection method: clinical testing. Allele origin: germline.

Labcorp Genetics (formerly Invitae), Labcorp
Classification: Uncertain significance for Orthostatic hypotension 1. Last evaluated: 2024-11-11. Review status: criteria provided, single submitter. Criteria: Invitae Variant Classification Sherloc (09022015). Collection method: clinical testing. Allele origin: germline.
Comment: This sequence change replaces serine, which is neutral and polar, with leucine, which is neutral and non-polar, at codon 186 of the DBH protein (p.Ser186Leu). This variant is present in population databases (rs567570641, gnomAD 0.01%). This variant has not been reported in the literature in individuals affected with DBH-related conditions. ClinVar contains an entry for this variant (Variation ID: 950050). Invitae Evidence Modeling of protein sequence and biophysical properties (such as structural, functional, and spatial information, amino acid conservation, physicochemical variation, residue mobility, and thermodynamic stability) indicates that this missense variant is not expected to disrupt DBH protein function with a negative predictive value of 80%. In summary, the available evidence is currently insufficient to determine the role of this variant in disease. Therefore, it has been classified as a Variant of Uncertain Significance.

NM_000787.4(DBH):c.557C>T (p.Ser186Leu)

Gene: DBH (dopamine beta-hydroxylase; plus strand). Cytogenetic location: 9q34.2.
Variant type: single nucleotide variant.
Coding change: c.557C>T on transcript NM_000787.4 (MANE Select); coding-DNA position 557, C replaced by T.
Protein change: p.Ser186Leu; replaces serine 186 with leucine.
Molecular consequence: missense variant.
Genome position (GRCh38, 1-based): chr9:133,642,277, C>T. VCF-style: chr9-133642277-C-T. GRCh37 (hg19) VCF-style: chr9-136507399-C-T.
Other names: short protein forms S186L.
Identifiers: ClinVar variation 950050 (VCV000950050.11), dbSNP rs567570641, ClinGen allele CA5313116.